The following is an entry in ClinVar:

ClinVar aggregate classification (germline): Uncertain significance (1 of 4 stars; one submission).

Conditions:
Primary ciliary dyskinesia. Also called: Ciliary dyskinesia. Identifiers: Orphanet 244, MedGen C0008780, MONDO:0016575, HP:0012265.

Allele frequency attached by ClinVar (database versions not stated): gnomAD exomes below 0.00001; gnomAD 0.00001; TOPMed 0.00001.
gnomAD v4.1: 18 of 1,612,796 alleles (0.0011%); highest among the groups gnomAD compares: Non-Finnish European, 0.0013%; no homozygotes.

Submission:

Labcorp Genetics (formerly Invitae), Labcorp
Classification: Uncertain significance for Primary ciliary dyskinesia. Last evaluated: 2024-10-16. Review status: criteria provided, single submitter. Criteria: Invitae Variant Classification Sherloc (09022015). Collection method: clinical testing. Allele origin: germline.
Comment: This sequence change replaces glutamic acid, which is acidic and polar, with lysine, which is basic and polar, at codon 772 of the DNAAF2 protein (p.Glu772Lys). This variant is present in population databases (no rsID available, gnomAD 0.003%). This variant has not been reported in the literature in individuals affected with DNAAF2-related conditions. ClinVar contains an entry for this variant (Variation ID: 944119). Invitae Evidence Modeling of protein sequence and biophysical properties (such as structural, functional, and spatial information, amino acid conservation, physicochemical variation, residue mobility, and thermodynamic stability) indicates that this missense variant is not expected to disrupt DNAAF2 protein function with a negative predictive value of 80%. In summary, the available evidence is currently insufficient to determine the role of this variant in disease. Therefore, it has been classified as a Variant of Uncertain Significance.

NM_018139.3(DNAAF2):c.2314G>A (p.Glu772Lys)

Gene: DNAAF2 (dynein axonemal assembly factor 2; minus strand). Cytogenetic location: 14q21.3.
Variant type: single nucleotide variant.
Coding change: c.2314G>A on transcript NM_018139.3 (MANE Select); coding-DNA position 2314, G replaced by A.
Protein change: p.Glu772Lys; replaces glutamic acid 772 with lysine.
Molecular consequence: missense variant.
Genome position (GRCh38, 1-based): chr14:49,625,742, C>T on the plus strand (G>A on the coding strand, the complement: DNAAF2 is on the minus strand). VCF-style: chr14-49625742-C-T. GRCh37 (hg19) VCF-style: chr14-50092460-C-T.
Other names: c.2170G>A, p.Glu724Lys (NM_001083908.2); c.103G>A, p.Glu35Lys (NM_001378453.1); short protein forms E35K, E772K, E724K.
Identifiers: ClinVar variation 944119 (VCV000944119.9), dbSNP rs1469795552, ClinGen allele CA389623261.